The following is an entry in ClinVar:

NM_001136193.2(FASTKD2):c.*627T>C

Gene: FASTKD2 (FAST kinase domains 2; plus strand). Cytogenetic location: 2q33.3.
Variant type: single nucleotide variant.
Coding change: c.*627T>C on transcript NM_001136193.2 (MANE Select); 627 bases downstream of the stop codon, T replaced by C.
Molecular consequence: 3 prime UTR variant.
Genome position (GRCh38, 1-based): chr2:206,792,429, T>C. VCF-style: chr2-206792429-T-C. GRCh37 (hg19) VCF-style: chr2-207657153-T-C.
Other names: c.*627T>C (NM_001136194.2, NM_014929.4).
Identifiers: ClinVar variation 333818 (VCV000333818.6), dbSNP rs1048783, ClinGen allele CA10613724.

ClinVar aggregate classification (germline): Benign. Review status: criteria provided, multiple submitters, no conflicts (2 of 4 stars). 2 submissions from 2 submitters: Benign (2). Last evaluated 2018-01-13.

Conditions:
Mitochondrial complex IV deficiency, nuclear type 1 (MC4DN1). Also called: COX DEFICIENCY; Mitochondrial complex IV deficiency; Complex 4 mitochondrial respiratory chain deficiency; Deficiency of mitochondrial respiratory chain complex4; Complex IV deficiency. Identifiers: MedGen C5435656, MONDO:0700250, OMIM 220110. Disease mechanism: loss of function.

Allele frequency attached by ClinVar (database versions not stated): gnomAD exomes 0.25000; gnomAD 0.30015 and 0.31384; TOPMed 0.32233; 1000 Genomes Project 30x 0.45144; 1000 Genomes Project 0.45767.
gnomAD v4.1: 47,718 of 152,268 alleles (31%); highest among the groups gnomAD compares: East Asian, 75%; 8,612 homozygotes.

Submissions (2):

Illumina Laboratory Services, Illumina
Classification: Benign for Mitochondrial complex IV deficiency, nuclear type 1. Last evaluated: 2018-01-13. Review status: criteria provided, single submitter. Criteria: ICSL Variant Classification Criteria 13 December 2019. Collection method: clinical testing. Allele origin: germline.
Comment: This variant was observed in the ICSL laboratory as part of a predisposition screen in an ostensibly healthy population. It had not been previously curated by ICSL or reported in the Human Gene Mutation Database (HGMD: prior to June 1st, 2018), and was therefore a candidate for classification through an automated scoring system. Utilizing variant allele frequency, disease prevalence and penetrance estimates, and inheritance mode, an automated score was calculated to assess if this variant is too frequent to cause the disease. Based on the score and internal cut-off values, a variant classified as benign is not then subjected to further curation. The score for this variant resulted in a classification of benign for this disease.

Breakthrough Genomics
Classification: Benign. Review status: criteria provided, single submitter. Criteria: ACMG Guidelines, 2015. Collection method: not provided. Allele origin: germline. Inheritance: Autosomal recessive inheritance. Affected: yes.